The following is an entry in ClinVar:

NM_012203.2(GRHPR):c.734+1del

Gene: GRHPR (glyoxylate and hydroxypyruvate reductase; plus strand). Cytogenetic location: 9p13.2.
Variant type: Deletion.
Coding change: c.734+1del on transcript NM_012203.2 (MANE Select); the canonical splice donor site of the intron after coding-DNA position 734, one base deleted (G; older notation c.734+1delG).
Molecular consequence: splice donor variant.
Genome position (GRCh38, 1-based): chr9:37,430,647, G deleted; the last of 2 consecutive G bases (chr9:37,430,646-37,430,647); deleting either gives the same sequence. VCF-style (leftmost placement, unchanged base first): chr9-37430645-AG-A. GRCh37 (hg19) VCF-style: chr9-37430642-AG-A.
Identifiers: ClinVar variation 2416508 (VCV002416508.7), dbSNP rs2489245627, ClinGen allele CA2580080565.

ClinVar aggregate classification (germline): Pathogenic (1 of 4 stars; one submission).

Submission:

Labcorp Genetics (formerly Invitae), Labcorp
Classification: Pathogenic. Last evaluated: 2022-02-18. Review status: criteria provided, single submitter. Criteria: Invitae Variant Classification Sherloc (09022015). Collection method: clinical testing. Allele origin: germline.
Comment: For these reasons, this variant has been classified as Pathogenic. Algorithms developed to predict the effect of sequence changes on RNA splicing suggest that this variant may disrupt the consensus splice site. This variant is also known as c.734+1del. This variant has not been reported in the literature in individuals affected with GRHPR-related conditions. This variant is not present in population databases (gnomAD no frequency). This sequence change creates a premature translational stop signal (p.Gly246Alafs*4) in the GRHPR gene. It is expected to result in an absent or disrupted protein product. Loss-of-function variants in GRHPR are known to be pathogenic (PMID: 25644115).

Literature cited by the submitters: PubMed 25644115.